The following is an entry in ClinVar:

ClinVar aggregate classification (germline): Benign/Likely benign. Review status: criteria provided, multiple submitters, no conflicts (2 of 4 stars). 5 submissions from 5 submitters: Benign (1); Likely benign (4). Last evaluated 2024-07-18.

Conditions:
Hereditary cancer-predisposing syndrome. Also called: Tumor predisposition; Hereditary Cancer Syndrome; Neoplastic Syndromes, Hereditary; Hereditary neoplastic syndrome. Identifiers: Orphanet 140162, MedGen C0027672, MeSH D009386, MONDO:0015356.
Familial cancer of breast. Also called: BREAST CANCER, FAMILIAL; Hereditary breast cancer; hereditary breast carcinoma. Identifiers: Orphanet 227535, MedGen C0346153, MONDO:0016419, OMIM 114480. Disease mechanism: loss of function.

Allele frequency attached by ClinVar (database versions not stated): gnomAD exomes below 0.00001.
gnomAD v4.1: 1 of 1,611,576 alleles (0.000062%); highest among the groups gnomAD compares: South Asian, 0.0011%; no homozygotes.

Submissions (5):

Myriad Genetics, Inc.
Classification: Benign for Familial cancer of breast. Last evaluated: 2024-07-18. Review status: criteria provided, single submitter. Criteria: Myriad Autosomal Dominant, Autosomal Recessive and X-Linked Classification Criteria (2023). Collection method: clinical testing. Allele origin: unknown.
Comment: This variant is considered benign. This variant is a silent/synonymous amino acid change and it is not expected to impact splicing.

Department of Pathology and Laboratory Medicine, Sinai Health System
Classification: Likely benign for Familial cancer of breast. Last evaluated: 2023-11-15. Review status: criteria provided, single submitter. Criteria: ACMG Guidelines, 2015. Collection method: clinical testing. Allele origin: germline. Affected: yes.

Labcorp Genetics (formerly Invitae), Labcorp
Classification: Likely benign for Familial cancer of breast. Last evaluated: 2022-07-12. Review status: criteria provided, single submitter. Criteria: Invitae Variant Classification Sherloc (09022015). Collection method: clinical testing. Allele origin: germline.

Ambry Genetics
Classification: Likely benign for Hereditary cancer-predisposing syndrome. Last evaluated: 2022-01-14. Review status: criteria provided, single submitter. Criteria: Ambry Variant Classification Scheme 2023. Collection method: clinical testing. Allele origin: germline.

Color Diagnostics, LLC DBA Color Health
Classification: Likely benign for Hereditary cancer-predisposing syndrome. Last evaluated: 2017-12-04. Review status: criteria provided, single submitter. Criteria: ACMG Guidelines, 2015. Collection method: clinical testing. Allele origin: germline.

NM_000465.4(BARD1):c.120G>C (p.Ala40=)

Gene: BARD1 (BRCA1 associated RING domain 1; minus strand). Cytogenetic location: 2q35.
Variant type: single nucleotide variant.
Coding change: c.120G>C on transcript NM_000465.4 (MANE Select); coding-DNA position 120, G replaced by C.
Protein change: p.Ala40=; no amino-acid change (alanine 40 retained).
Molecular consequence: synonymous variant. On other transcripts: non-coding transcript variant (3).
Genome position (GRCh38, 1-based): chr2:214,809,450, C>G on the plus strand (G>C on the coding strand, the complement: BARD1 is on the minus strand). VCF-style: chr2-214809450-C-G. GRCh37 (hg19) VCF-style: chr2-215674174-C-G.
Other names: c.120G>C, p.Ala40= (NM_001282543.2, NM_001282545.2, NM_001282548.2 and 1 more transcripts).
Identifiers: ClinVar variation 627830 (VCV000627830.17), dbSNP rs1559454255, ClinGen allele CA350464941.